The following is an entry in ClinVar:

NM_001329943.3(KIAA0586):c.411-1371G>A

Gene: KIAA0586 (KIAA0586; plus strand). Cytogenetic location: 14q23.1.
Variant type: single nucleotide variant.
Coding change: c.411-1371G>A on transcript NM_001329943.3 (MANE Select); 1371 bases into the intron before coding-DNA position 411, G replaced by A.
Molecular consequence: intron variant. On other transcripts: nonsense (2).
Genome position (GRCh38, 1-based): chr14:58,441,335, G>A. VCF-style: chr14-58441335-G-A. GRCh37 (hg19) VCF-style: chr14-58908053-G-A.
Other names: c.561G>A, p.Trp187Ter (NM_001244189.2); c.270G>A, p.Trp90Ter (NM_001244192.2); c.366-1371G>A (NM_001244190.2); c.156-1371G>A (NM_001244191.2, NM_001364701.2, NM_001329945.2 and 1 more transcripts); c.411-1371G>A (NM_001329944.2, NM_001329946.2, NM_001329947.2 and 1 more transcripts); c.-10-1371G>A (NM_001244193.2); short protein forms W187*, W90*.
Identifiers: ClinVar variation 1435732 (VCV001435732.6), dbSNP rs2038350104, ClinGen allele CA389860552.
Genomic context (GRCh38, chr14:58,441,335, plus strand): 5'-CTGCAGTCTCTACCTCCTCAGGCTCATGAGATCCTCCCACCTCAGCCTCCCGAGTAGCTG[G>A]GACTACAGGTGTGTGCCACCACACCTGGCTAATTTTTGTATTTTTTGTAGAGTCAGGATT-3'

ClinVar aggregate classification (germline): Pathogenic (1 of 4 stars; one submission).

Conditions:
Joubert syndrome 23 (JBTS23). Identifiers: Orphanet 475, MedGen C4084822, MONDO:0014664, OMIM 616490.
Short-rib thoracic dysplasia 14 with polydactyly (SRTD14). Identifiers: Orphanet 397715, MedGen C4225286, MONDO:0014688, OMIM 616546.

Submission:

Labcorp Genetics (formerly Invitae), Labcorp
Classification: Pathogenic for Joubert syndrome 23; Short-rib thoracic dysplasia 14 with polydactyly. Last evaluated: 2024-10-07. Review status: criteria provided, single submitter. Criteria: Invitae Variant Classification Sherloc (09022015). Collection method: clinical testing. Allele origin: germline.
Comment: This sequence change creates a premature translational stop signal (p.Trp187*) in the KIAA0586 gene. It is expected to result in an absent or disrupted protein product. Loss-of-function variants in KIAA0586 are known to be pathogenic (PMID: 26096313, 26166481, 26386044). This variant is not present in population databases (gnomAD no frequency). This variant has not been reported in the literature in individuals affected with KIAA0586-related conditions. ClinVar contains an entry for this variant (Variation ID: 1435732). For these reasons, this variant has been classified as Pathogenic.

Literature cited by the submitters: PubMed 26096313; PubMed 26166481; PubMed 26386044.